The following is an entry in ClinVar:

ClinVar aggregate classification (germline): Uncertain significance (1 of 4 stars; one submission).

Submission:

Labcorp Genetics (formerly Invitae), Labcorp
Classification: Uncertain significance. Last evaluated: 2022-05-04. Review status: criteria provided, single submitter. Criteria: Invitae Variant Classification Sherloc (09022015). Collection method: clinical testing. Allele origin: germline.
Comment: In summary, the available evidence is currently insufficient to determine the role of this variant in disease. Therefore, it has been classified as a Variant of Uncertain Significance. Algorithms developed to predict the effect of missense changes on protein structure and function (SIFT, PolyPhen-2, Align-GVGD) all suggest that this variant is likely to be disruptive. This variant has not been reported in the literature in individuals affected with ARPC1B-related conditions. This variant is not present in population databases (gnomAD no frequency). This sequence change replaces serine, which is neutral and polar, with proline, which is neutral and non-polar, at codon 143 of the ARPC1B protein (p.Ser143Pro).

NM_005720.4(ARPC1B):c.427T>C (p.Ser143Pro)

Gene: ARPC1B (actin related protein 2/3 complex subunit 1B; plus strand). Cytogenetic location: 7q22.1.
Variant type: single nucleotide variant.
Coding change: c.427T>C on transcript NM_005720.4 (MANE Select); coding-DNA position 427, T replaced by C.
Protein change: p.Ser143Pro; replaces serine 143 with proline.
Molecular consequence: missense variant.
Genome position (GRCh38, 1-based): chr7:99,389,939, T>C. VCF-style: chr7-99389939-T-C. GRCh37 (hg19) VCF-style: chr7-98987562-T-C.
Other names: short protein forms S143P.
Identifiers: ClinVar variation 2117348 (VCV002117348.4), dbSNP rs2484639363, ClinGen allele CA368320821.
Genomic context (GRCh38, chr7:99,389,939, plus strand): 5'-CCTGTCTGCCTGACCACCGTTCCCAGGTGGGTTTGCAAGCACATCAAGAAGCCCATCCGC[T>C]CCACCGTCCTCAGCCTGGACTGGCACCCCAACAATGTGCTGCTGGCTGCCGGCTCCTGTG-3'
Protein context (NP_005711.1, residues 133-153): VCKHIKKPIR[Ser143Pro]TVLSLDWHPN